The following is an entry in ClinVar:

NM_012398.3(PIP5K1C):c.1975C>T (p.Pro659Ser)

Gene: PIP5K1C (phosphatidylinositol-4-phosphate 5-kinase type 1 gamma; minus strand). Cytogenetic location: 19p13.3.
Variant type: single nucleotide variant.
Coding change: c.1975C>T on transcript NM_012398.3 (MANE Select); coding-DNA position 1975, C replaced by T.
Protein change: p.Pro659Ser; replaces proline 659 with serine.
Molecular consequence: missense variant. On other transcripts: intron variant (1).
Genome position (GRCh38, 1-based): chr19:3,633,466, G>A on the plus strand (C>T on the coding strand, the complement: PIP5K1C is on the minus strand). VCF-style: chr19-3633466-G-A. GRCh37 (hg19) VCF-style: chr19-3633464-G-A.
Other names: c.1921-297C>T (NM_001195733.2); short protein forms P659S.
Identifiers: ClinVar variation 708469 (VCV000708469.32), dbSNP rs34633286, ClinGen allele CA9081907.

ClinVar aggregate classification (germline): Benign/Likely benign. Review status: criteria provided, multiple submitters, no conflicts (2 of 4 stars). 4 submissions from 4 submitters: Benign (1); Likely benign (3). Last evaluated 2026-09-01.

Allele frequency attached by ClinVar (database versions not stated): 1000 Genomes Project 0.00100; 1000 Genomes Project 30x 0.00141; gnomAD exomes 0.00302 and 0.00644; ExAC 0.00366; ESP Exome Variant Server 0.00370; gnomAD 0.00370 and 0.00386; TOPMed 0.00371.
gnomAD v4.1: 9,117 of 1,508,592 alleles (0.6%); highest among the groups gnomAD compares: Non-Finnish European, 0.77%; 37 homozygotes.

Submissions (4):

CeGaT Center for Human Genetics Tuebingen
Classification: Likely benign. Last evaluated: 2026-09-01. Review status: criteria provided, single submitter. Criteria: CeGaT Center For Human Genetics Tuebingen Variant Classification Criteria Version 2. Collection method: clinical testing. Allele origin: germline. Affected: yes. Observed: 3 variant alleles.
Comment: PIP5K1C: BP4, BS2

Labcorp Genetics (formerly Invitae), Labcorp
Classification: Benign. Last evaluated: 2026-01-24. Review status: criteria provided, single submitter. Criteria: Invitae Variant Classification Sherloc (09022015). Collection method: clinical testing. Allele origin: germline.

Blueprint Genetics
Classification: Likely benign. Last evaluated: 2024-11-27. Review status: criteria provided, single submitter. Criteria: ACMG Guidelines, 2015. Collection method: clinical testing. Allele origin: germline.

GeneDx
Classification: Likely benign. Last evaluated: 2021-05-17. Review status: criteria provided, single submitter. Criteria: GeneDx Variant Classification Process June 2021. Collection method: clinical testing. Allele origin: germline. Affected: yes.